The following is an entry in ClinVar:

NM_020919.4(ALS2):c.4721del (p.Val1574fs)

Gene: ALS2 (alsin Rho guanine nucleotide exchange factor ALS2; minus strand). Cytogenetic location: 2q33.1.
Variant type: Deletion.
Coding change: c.4721del on transcript NM_020919.4 (MANE Select); coding-DNA position 4721, one base deleted (T; older notation c.4721delT).
Protein change: p.Val1574fs; shifts the reading frame from valine 1574.
Molecular consequence: frameshift variant.
Genome position (GRCh38, 1-based): chr2:201,704,571, A deleted on the plus strand (T on the coding strand, the reverse complement: ALS2 is on the minus strand). VCF-style (leftmost placement, unchanged base first): chr2-201704570-GA-G. GRCh37 (hg19) VCF-style: chr2-202569293-GA-G.
Other names: c.4721delT(4844delT); short protein forms V1574fs.
Identifiers: ClinVar variation 4412 (VCV000004412.5), dbSNP rs386134188, ClinGen allele CA340247.

ClinVar aggregate classification (germline): Pathogenic. Review status: no assertion criteria provided (0 of 4 stars). 2 submissions from 2 submitters: Pathogenic (2). Last evaluated 2011-02-10.

Conditions:
Infantile-onset ascending hereditary spastic paralysis (IAHSP). Also called: Autosomal Recessive Juvenile Amyotrophic Lateral Sclerosis; Infantile-Onset Ascending Hereditary Spastic Paralysis (IAHSP). Identifiers: Orphanet 293168, MedGen C2931441, MONDO:0011797, OMIM 607225. Disease mechanism: loss of function.

Allele frequency attached by ClinVar (database versions not stated): gnomAD exomes below 0.00001.

Submissions (2):

GeneReviews
Classification: Pathogenic for ALS2-Related Disorders. Last evaluated: 2011-02-10. Review status: no assertion criteria provided. Collection method: curation. Allele origin: unknown.
ClinVar note: Converted during submission from pathologic to Pathogenic.

OMIM
Classification: Pathogenic for SPASTIC PARALYSIS, INFANTILE-ONSET ASCENDING. Last evaluated: 2003-01-01. Review status: no assertion criteria provided. Collection method: literature only. Allele origin: germline.

Literature cited by the submitters: PubMed 12509863 (cited by OMIM).